The following is an entry in ClinVar:

NM_014423.4(AFF4):c.3129G>T (p.Ser1043=)

Gene: AFF4 (ALF transcription elongation factor 4; minus strand). Cytogenetic location: 5q31.1.
Variant type: single nucleotide variant.
Coding change: c.3129G>T on transcript NM_014423.4 (MANE Select); coding-DNA position 3129, G replaced by T.
Protein change: p.Ser1043=; no amino-acid change (serine 1043 retained).
Molecular consequence: synonymous variant.
Genome position (GRCh38, 1-based): chr5:132,885,090, C>A on the plus strand (G>T on the coding strand, the complement: AFF4 is on the minus strand). VCF-style: chr5-132885090-C-A. GRCh37 (hg19) VCF-style: chr5-132220782-C-A.
Other names: c.3129G>T (NM_014423.3).
Identifiers: ClinVar variation 1626066 (VCV001626066.9), dbSNP rs531149803, ClinGen allele CA3408731.

ClinVar aggregate classification (germline): Likely benign. Review status: criteria provided, single submitter (1 of 4 stars). 2 submissions from 2 submitters: Likely benign (1). 1 of the submissions does not count toward it. Last evaluated 2025-06-11.

Conditions:
Cognitive impairment - coarse facies - heart defects - obesity - pulmonary involvement - short stature - skeletal dysplasia syndrome. Also called: AFF4-Related CHOPS Syndrome; COGNITIVE IMPAIRMENT, COARSE FACIES, HEART DEFECTS, OBESITY, PULMONARY INVOLVEMENT, SHORT STATURE, AND SKELETAL DYSPLASIA; Chops syndrome. Identifiers: Orphanet 444077, MedGen C4085597, MONDO:0014609, OMIM 616368.
AFF4-related disorder. Also called: AFF4-related condition.

Allele frequency attached by ClinVar (database versions not stated): 1000 Genomes Project 30x 0.00016; 1000 Genomes Project 0.00020.
gnomAD v4.1: 31 of 1,595,600 alleles (0.0019%); highest among the groups gnomAD compares: East Asian, 0.029%; no homozygotes.

Submissions (2):

Labcorp Genetics (formerly Invitae), Labcorp
Classification: Likely benign for Cognitive impairment - coarse facies - heart defects - obesity - pulmonary involvement - short stature - skeletal dysplasia syndrome. Last evaluated: 2025-06-11. Review status: criteria provided, single submitter. Criteria: Invitae Variant Classification Sherloc (09022015). Collection method: clinical testing. Allele origin: germline.

PreventionGenetics, part of Exact Sciences
Classification: Likely benign for AFF4-related condition. Last evaluated: 2024-07-11. Review status: no assertion criteria provided. Collection method: clinical testing. Allele origin: germline. Not counted in ClinVar's aggregate classification.
Comment: This variant is classified as likely benign based on ACMG/AMP sequence variant interpretation guidelines (Richards et al. 2015 PMID: 25741868, with internal and published modifications).